The following is an entry in ClinVar:

NM_015910.7(WDPCP):c.166G>C (p.Asp56His)

Gene: WDPCP (WD repeat containing planar cell polarity effector; minus strand). Cytogenetic location: 2p15.
Variant type: single nucleotide variant.
Coding change: c.166G>C on transcript NM_015910.7 (MANE Select); coding-DNA position 166, G replaced by C.
Protein change: p.Asp56His; replaces aspartic acid 56 with histidine.
Molecular consequence: missense variant. On other transcripts: non-coding transcript variant (2).
Genome position (GRCh38, 1-based): chr2:63,487,489, C>G on the plus strand (G>C on the coding strand, the complement: WDPCP is on the minus strand). VCF-style: chr2-63487489-C-G. GRCh37 (hg19) VCF-style: chr2-63714623-C-G.
Other names: c.94G>C, p.Asp32His (NM_001354044.2); c.166G>C, p.Asp56His (NM_001354045.2); short protein forms D32H, D56H.
Identifiers: ClinVar variation 848275 (VCV000848275.9), dbSNP rs375016562, ClinGen allele CA1682589.

ClinVar aggregate classification (germline): Uncertain significance. Review status: criteria provided, multiple submitters, no conflicts (2 of 4 stars). 3 submissions from 3 submitters: Uncertain significance (2). 1 of the submissions does not count toward it. Last evaluated 2024-12-22.

Conditions:
WDPCP-related disorder. Also called: WDPCP-related condition.
Inborn genetic diseases. Identifiers: MedGen C0950123, MeSH D030342.
Bardet-Biedl syndrome (BBS). Identifiers: Orphanet 110, MedGen C0752166, MONDO:0015229.

Allele frequency attached by ClinVar (database versions not stated): gnomAD 0.00001; ExAC 0.00002; gnomAD exomes 0.00002; TOPMed 0.00003; ESP Exome Variant Server 0.00009.
gnomAD v4.1: 31 of 1,593,010 alleles (0.0019%); highest among the groups gnomAD compares: Non-Finnish European, 0.0027%; no homozygotes.

Submissions (3):

Ambry Genetics
Classification: Uncertain significance for Inborn genetic diseases. Last evaluated: 2024-12-22. Review status: criteria provided, single submitter. Criteria: Ambry Variant Classification Scheme 2023. Collection method: clinical testing. Allele origin: germline.

Labcorp Genetics (formerly Invitae), Labcorp
Classification: Uncertain significance for Bardet-Biedl syndrome. Last evaluated: 2022-02-04. Review status: criteria provided, single submitter. Criteria: Invitae Variant Classification Sherloc (09022015). Collection method: clinical testing. Allele origin: germline.
Comment: This sequence change replaces aspartic acid, which is acidic and polar, with histidine, which is basic and polar, at codon 56 of the WDPCP protein (p.Asp56His). This variant is present in population databases (rs375016562, gnomAD 0.005%). This variant has not been reported in the literature in individuals affected with WDPCP-related conditions. ClinVar contains an entry for this variant (Variation ID: 848275). Algorithms developed to predict the effect of missense changes on protein structure and function (SIFT, PolyPhen-2, Align-GVGD) all suggest that this variant is likely to be disruptive. In summary, the available evidence is currently insufficient to determine the role of this variant in disease. Therefore, it has been classified as a Variant of Uncertain Significance.

PreventionGenetics, part of Exact Sciences
Classification: Uncertain significance for WDPCP-related condition. Last evaluated: 2024-06-06. Review status: no assertion criteria provided. Collection method: clinical testing. Allele origin: germline. Not counted in ClinVar's aggregate classification.
Comment: The WDPCP c.166G>C variant is predicted to result in the amino acid substitution p.Asp56His. To our knowledge, this variant has not been reported in the literature. This variant is reported in 0.0036% of alleles in individuals of European (Non-Finnish) descent in gnomAD. At this time, the clinical significance of this variant is uncertain due to the absence of conclusive functional and genetic evidence.